The following is an entry in ClinVar:

NM_133510.4(RAD51B):c.979C>G (p.Leu327Val)

Gene: RAD51B (RAD51 paralog B; plus strand). Cytogenetic location: 14q24.1.
Variant type: single nucleotide variant.
Coding change: c.979C>G on transcript NM_133510.4 (MANE Select); coding-DNA position 979, C replaced by G.
Protein change: p.Leu327Val; replaces leucine 327 with valine.
Molecular consequence: missense variant.
Genome position (GRCh38, 1-based): chr14:68,468,193, C>G. VCF-style: chr14-68468193-C-G. GRCh37 (hg19) VCF-style: chr14-68934910-C-G.
Other names: c.979C>G, p.Leu327Val (NM_001321809.2, NM_001321810.2, NM_001321812.1 and 6 more transcripts); c.865C>G, p.Leu289Val (NM_001321815.1); c.622C>G, p.Leu208Val (NM_001321817.2); short protein forms L208V, L327V, L289V.
Identifiers: ClinVar variation 4575329 (VCV004575329.1).

ClinVar aggregate classification (germline): Uncertain significance (1 of 4 stars; one submission).

Submission:

Ambry Genetics
Classification: Uncertain significance. Last evaluated: 2025-11-30. Review status: criteria provided, single submitter. Criteria: Ambry Variant Classification Scheme 2023. Collection method: clinical testing. Allele origin: germline.
Comment: The p.L327V variant (also known as c.979C>G), located in coding exon 9 of the RAD51B gene, results from a C to G substitution at nucleotide position 979. The leucine at codon 327 is replaced by valine, an amino acid with highly similar properties. This amino acid position is conserved. In addition, this alteration is predicted to be tolerated by in silico analysis. Based on the available evidence, the clinical significance of this variant remains unclear.